The following is an entry in ClinVar:

NM_020975.6(RET):c.868-2A>G

Gene: RET (ret proto-oncogene; plus strand). Cytogenetic location: 10q11.21.
Variant type: single nucleotide variant.
Coding change: c.868-2A>G on transcript NM_020975.6 (MANE Select); the canonical splice acceptor site of the intron before coding-DNA position 868, A replaced by G.
Molecular consequence: splice acceptor variant. On other transcripts: intron variant (25).
Genome position (GRCh38, 1-based): chr10:43,106,374, A>G. VCF-style: chr10-43106374-A-G. GRCh37 (hg19) VCF-style: chr10-43601822-A-G.
Other names: c.868-2A>G (NM_020630.7, NM_001406743.1, NM_001406744.1 and 4 more transcripts); c.867+1181A>G (NM_001406772.1, NM_001406769.1); c.626-2657A>G (NM_001406773.1, NM_001406771.1); c.625+3745A>G (NM_001406782.1, NM_001406780.1, NM_001406779.1 and 3 more transcripts); c.739-2A>G (NM_001406764.1, NM_001406762.1, NM_001406761.1 and 1 more transcripts); c.738+1181A>G (NM_001406774.1); c.496+3745A>G (NM_001406786.1, NM_001406783.1); c.580-2A>G (NM_001406770.1, NM_001406766.1, NM_001406767.1); and 5 more.
Identifiers: ClinVar variation 3073317 (VCV003073317.1), dbSNP rs1291798860, ClinGen allele CA376545599.
Genomic context (GRCh38, chr10:43,106,374, plus strand): 5'-GTTTTGGGGGGTCTGAGGGGCCCATCTCGCCTGCACTGACCAACGCCCTCTGCATCCTGC[A>G]GGACACCGTGGTGGCCACGCTGCGTGTCTTCGATGCAGACGTGGTACCTGCATCAGGGGA-3'

ClinVar aggregate classification (germline): Uncertain significance (1 of 4 stars; one submission).

Conditions:
Multiple endocrine neoplasia, type 2 (MEN2). Identifiers: Orphanet 653, MedGen C4048306, MONDO:0019003. Disease mechanism: gain of function.

Submission:

All of Us Research Program, National Institutes of Health
Classification: Uncertain significance for Multiple endocrine neoplasia, type 2. Last evaluated: 2023-09-04. Review status: criteria provided, single submitter. Criteria: ACMG Guidelines, 2015. Collection method: clinical testing. Allele origin: germline. Inheritance: Autosomal dominant inheritance. Observed: 1 variant allele, 1 heterozygote.
Comment: This variant causes an A to G nucleotide substitution at the -2 position of intron 4 of the RET gene. Splice site prediction tools suggest that this variant may have a significant impact on RNA splicing and is expected to result in an absent of functional protein. However, the RET proto-oncogene impact on multiple endocrine neoplasia type 2 (MEN2) is associated with gain-of-function mutations (PMID: 30087948), which this variant is not expected to be. To our knowledge, functional studies have not been reported for this variant. This variant has not been reported in individuals affected with RET-related neoplasia in the literature. This variant has not been identified in the general population by the Genome Aggregation Database (gnomAD). The available evidence is insufficient to determine the role of this variant in disease conclusively. Therefore, this variant is classified as a Variant of Uncertain Significance.

This study involves interpretation of variants in research participants for the purpose of population health screening. Participant phenotype was not available at the time of variant classification. Additional details can be found in publication PMID: 35346344, PMCID: PMC8962531

Literature cited by the submitters: PubMed 30087948.